The following is an entry in ClinVar:

NM_007294.4(BRCA1):c.4396A>T (p.Ser1466Cys)

Gene: BRCA1 (BRCA1 DNA repair associated; minus strand). Cytogenetic location: 17q21.31.
Variant type: single nucleotide variant.
Coding change: c.4396A>T on transcript NM_007294.4 (MANE Select); coding-DNA position 4396, A replaced by T.
Protein change: p.Ser1466Cys; replaces serine 1466 with cysteine.
Molecular consequence: missense variant. On other transcripts: non-coding transcript variant (1).
Genome position (GRCh38, 1-based): chr17:43,076,576, T>A on the plus strand (A>T on the coding strand, the complement: BRCA1 is on the minus strand). VCF-style: chr17-43076576-T-A. GRCh37 (hg19) VCF-style: chr17-41228593-T-A.
Other names: c.4195A>T, p.Ser1399Cys (NM_001407862.1); c.841A>T, p.Ser281Cys (NM_001408495.1); c.823A>T, p.Ser275Cys (NM_001408496.1, NM_001408501.1, NM_001408498.1 and 3 more transcripts); c.4387A>T, p.Ser1463Cys (NM_001407644.1, NM_001407645.1); c.4318A>T, p.Ser1440Cys (NM_001407653.1, NM_001407654.1, NM_001407655.1); c.4384A>T, p.Ser1462Cys (NM_001407646.1); c.4381A>T, p.Ser1461Cys (NM_001407647.1); c.4339A>T, p.Ser1447Cys (NM_001407648.1); and 68 more; short protein forms S1466C, S1487C, S362C, S1419C, S1170C, S1339C, S1377C, S1446C.
Identifiers: ClinVar variation 420981 (VCV000420981.18), dbSNP rs1064794830, ClinGen allele CA10592743.
Genomic context (GRCh38, chr17:43,076,576, plus strand): 5'-TGGTAGAACTATCTGCAGACACCTCAAACTTGTCAGCAGAAAGGCCTTCTGGATTCTGGC[T>A]TATAGGGTATTCACTACTTTTCTGTGAAGTTAATACTGCTTTAAATGGAATGAGAAAACA-3'
Protein context (NP_009225.1, residues 1456-1476): TSQKSSEYPI[Ser1466Cys]QNPEGLSADK

ClinVar aggregate classification (germline): Uncertain significance. Review status: criteria provided, multiple submitters, no conflicts (2 of 4 stars). 4 submissions from 4 submitters: Uncertain significance (4). Last evaluated 2022-07-06.

Conditions:
Hereditary cancer-predisposing syndrome. Also called: Hereditary neoplastic syndrome; Tumor predisposition; Neoplastic Syndromes, Hereditary; Hereditary Cancer Syndrome. Identifiers: Orphanet 140162, MedGen C0027672, MeSH D009386, MONDO:0015356.
Hereditary breast ovarian cancer syndrome. Also called: Hereditary breast and ovarian cancer; Hereditary breast and/or ovarian cancer syndrome; Hereditary breast and ovarian cancer syndrome; Hereditary breast and ovarian cancer syndrome (HBOC); Breast and ovarian cancer; BRCA1- and BRCA2-Associated Hereditary Breast and Ovarian Cancer. Identifiers: Orphanet 145, MedGen C0677776, MeSH D061325, MONDO:0003582. Disease mechanism: loss of function.

gnomAD v4.1: 1 of 1,613,714 alleles (0.000062%); highest among the groups gnomAD compares: Non-Finnish European, 0.000085%; no homozygotes.

Submissions (4):

Labcorp Genetics (formerly Invitae), Labcorp
Classification: Uncertain significance for Hereditary breast ovarian cancer syndrome. Last evaluated: 2022-07-06. Review status: criteria provided, single submitter. Criteria: Invitae Variant Classification Sherloc (09022015). Collection method: clinical testing. Allele origin: germline.
Comment: In summary, the available evidence is currently insufficient to determine the role of this variant in disease. Therefore, it has been classified as a Variant of Uncertain Significance. Advanced modeling of protein sequence and biophysical properties (such as structural, functional, and spatial information, amino acid conservation, physicochemical variation, residue mobility, and thermodynamic stability) performed at Invitae indicates that this missense variant is not expected to disrupt BRCA1 protein function. ClinVar contains an entry for this variant (Variation ID: 420981). This variant has not been reported in the literature in individuals affected with BRCA1-related conditions. This variant is not present in population databases (gnomAD no frequency). This sequence change replaces serine, which is neutral and polar, with cysteine, which is neutral and slightly polar, at codon 1466 of the BRCA1 protein (p.Ser1466Cys).

Mendelics
Classification: Uncertain significance. Last evaluated: 2022-05-04. Review status: criteria provided, single submitter. Criteria: Mendelics Assertion Criteria 2019. Collection method: clinical testing. Allele origin: germline.

Ambry Genetics
Classification: Uncertain significance for Hereditary cancer-predisposing syndrome. Last evaluated: 2018-10-25. Review status: criteria provided, single submitter. Criteria: Ambry Variant Classification Scheme 2023. Collection method: clinical testing. Allele origin: germline.
Comment: The p.S1466C variant (also known as c.4396A>T), located in coding exon 12 of the BRCA1 gene, results from an A to T substitution at nucleotide position 4396. The serine at codon 1466 is replaced by cysteine, an amino acid with dissimilar properties. This amino acid position is well conserved in available vertebrate species. In addition, the in silico prediction for this alteration is inconclusive. Since supporting evidence is limited at this time, the clinical significance of this alteration remains unclear.

GeneDx
Classification: Uncertain significance. Last evaluated: 2016-04-20. Review status: criteria provided, single submitter. Criteria: GeneDx Variant Classification (06012015). Collection method: clinical testing. Allele origin: germline. Affected: yes.
Comment: This variant is denoted BRCA1 c.4396A>T at the cDNA level, p.Ser1466Cys (S1466C) at the protein level, and results in the change of a Serine to a Cysteine (AGC>TGC). Using alternate nomenclature, this variant would be defined as BRCA1 4515A>T. This variant has not, to our knowledge, been published in the literature as pathogenic or benign. BRCA1 Ser1466Cys was not observed in approximately 6,500 individuals of European and African American ancestry in the NHLBI Exome Sequencing Project, suggesting it is not a common benign variant in these populations. Since Serine and Cysteine differ in polarity, charge, size or other properties, this is considered a non-conservative amino acid substitution. BRCA1 Ser1466Cys occurs at a position that is not conserved and is located in the SCD domain and a region known to interact with multiple proteins (Narod 2004, Clark 2012, Chen 1998). In silico analyses are inconsistent regarding the effect this variant may have on protein structure and function. Based on currently available evidence, it is unclear whether BRCA1 Ser1466Cys is a pathogenic or benign variant. We consider it to be a variant of uncertain significance.